The following is an entry in ClinVar:

ClinVar aggregate classification (germline): Conflicting classifications of pathogenicity. Review status: criteria provided, conflicting classifications (1 of 4 stars). 6 submissions from 6 submitters: Uncertain significance (5); Benign (1). Last evaluated 2025-11-25.

Conditions:
Primary ciliary dyskinesia 7. Also called: CILIARY DYSKINESIA, PRIMARY, 7, WITH OR WITHOUT SITUS INVERSUS. Identifiers: Orphanet 244, MedGen C2678473, MONDO:0012748, OMIM 611884.
Primary ciliary dyskinesia. Also called: Ciliary dyskinesia. Identifiers: Orphanet 244, MedGen C0008780, MONDO:0016575, HP:0012265.

Allele frequency attached by ClinVar (database versions not stated): gnomAD 0.00004; gnomAD exomes 0.00005 and 0.00012; ExAC 0.00006; TOPMed 0.00006.
gnomAD v4.1: 182 of 1,599,630 alleles (0.011%); highest among the groups gnomAD compares: Non-Finnish European, 0.014%; no homozygotes.

Submissions (6):

Labcorp Genetics (formerly Invitae), Labcorp
Classification: Benign for Primary ciliary dyskinesia. Last evaluated: 2025-11-25. Review status: criteria provided, single submitter. Criteria: Invitae Variant Classification Sherloc (09022015). Collection method: clinical testing. Allele origin: germline.

ARUP Laboratories, Molecular Genetics and Genomics, ARUP Laboratories
Classification: Uncertain significance for Primary ciliary dyskinesia 7. Last evaluated: 2024-10-15. Review status: criteria provided, single submitter. Criteria: ARUP Molecular Germline Variant Investigation Process 2024. Collection method: clinical testing. Allele origin: germline.
Comment: The DNAH11 c.698C>T p.Pro233Leu variant (rs776376992), to our knowledge, is not reported in the medical literature but is reported in ClinVar (Variation ID: 636362). This variant is found in the general population with an overall allele frequency of 0.005% (13/236,628 alleles) in the Genome Aggregation Database (v2.1.1). Computational analyses predict that this variant is neutral (REVEL: 0.094). Due to limited information, the clinical significance of this variant is uncertain at this time.

Blueprint Genetics
Classification: Uncertain significance. Last evaluated: 2023-10-04. Review status: criteria provided, single submitter. Criteria: ACMG Guidelines, 2015. Collection method: clinical testing. Allele origin: germline.

Fulgent Genetics
Classification: Uncertain significance for Primary ciliary dyskinesia 7. Last evaluated: 2021-10-07. Review status: criteria provided, single submitter. Criteria: ACMG Guidelines, 2015. Collection method: clinical testing. Allele origin: unknown.

Genetics and Molecular Pathology, SA Pathology
Classification: Uncertain significance for Primary ciliary dyskinesia 7. Last evaluated: 2019-08-14. Review status: criteria provided, single submitter. Criteria: ACMG Guidelines, 2015. Collection method: clinical testing. Allele origin: germline. Affected: yes.

Ambry Genetics
Classification: Uncertain significance for Primary ciliary dyskinesia. Last evaluated: 2015-08-24. Review status: criteria provided, single submitter. Criteria: Ambry Variant Classification Scheme 2023. Collection method: clinical testing. Allele origin: germline.
Comment: The p.P233L variant (also known as c.698C>T), located in coding exon 4 of the DNAH11 gene, results from a C to T substitution at nucleotide position 698. The proline at codon 233 is replaced by leucine, an amino acid with similar properties. This variant was not reported in population based cohorts in the following databases: Database of Single Nucleotide Polymorphisms (dbSNP), NHLBI Exome Sequencing Project (ESP), and 1000 Genomes Project. In the ESP, this variant was not observed in 5900 samples (11800 alleles) with coverage at this position. This amino acid position is poorly conserved in available vertebrate species. In addition, this alteration is predicted to be tolerated by in silico analysis. Since supporting evidence is limited at this time, the clinical significance of this variant remains unclear.

NM_001277115.2(DNAH11):c.698C>T (p.Pro233Leu)

Gene: DNAH11 (dynein axonemal heavy chain 11; plus strand). Cytogenetic location: 7p15.3.
Variant type: single nucleotide variant.
Coding change: c.698C>T on transcript NM_001277115.2 (MANE Select); coding-DNA position 698, C replaced by T.
Protein change: p.Pro233Leu; replaces proline 233 with leucine.
Molecular consequence: missense variant.
Genome position (GRCh38, 1-based): chr7:21,559,608, C>T. VCF-style: chr7-21559608-C-T. GRCh37 (hg19) VCF-style: chr7-21599226-C-T.
Other names: short protein forms P233L.
Identifiers: ClinVar variation 636362 (VCV000636362.16), dbSNP rs776376992, ClinGen allele CA4178762.